The following is an entry in ClinVar:

NM_144687.4(NLRP12):c.1665C>G (p.Phe555Leu)

Gene: NLRP12 (NLR family pyrin domain containing 12; minus strand). Cytogenetic location: 19q13.42.
Variant type: single nucleotide variant.
Coding change: c.1665C>G on transcript NM_144687.4 (MANE Select); coding-DNA position 1665, C replaced by G.
Protein change: p.Phe555Leu; replaces phenylalanine 555 with leucine.
Molecular consequence: missense variant.
Genome position (GRCh38, 1-based): chr19:53,809,994, G>C on the plus strand (C>G on the coding strand, the complement: NLRP12 is on the minus strand). VCF-style: chr19-53809994-G-C. GRCh37 (hg19) VCF-style: chr19-54313248-G-C.
Other names: c.1665C>G, p.Phe555Leu (NM_001277126.2, NM_001277129.1); short protein forms F555L.
Identifiers: ClinVar variation 3680317 (VCV003680317.2).

ClinVar aggregate classification (germline): Uncertain significance (1 of 4 stars; one submission).

Conditions:
Familial cold autoinflammatory syndrome 2 (FCAS2). Identifiers: Orphanet 247868, MedGen C2673198, MONDO:0012724, OMIM 611762.

Submission:

Labcorp Genetics (formerly Invitae), Labcorp
Classification: Uncertain significance for Familial cold autoinflammatory syndrome 2. Last evaluated: 2024-11-14. Review status: criteria provided, single submitter. Criteria: Invitae Variant Classification Sherloc (09022015). Collection method: clinical testing. Allele origin: germline.
Comment: This sequence change replaces phenylalanine, which is neutral and non-polar, with leucine, which is neutral and non-polar, at codon 555 of the NLRP12 protein (p.Phe555Leu). This variant is present in population databases (no rsID available, gnomAD 0.0009%). This variant has not been reported in the literature in individuals affected with NLRP12-related conditions. Invitae Evidence Modeling of protein sequence and biophysical properties (such as structural, functional, and spatial information, amino acid conservation, physicochemical variation, residue mobility, and thermodynamic stability) indicates that this missense variant is not expected to disrupt NLRP12 protein function with a negative predictive value of 80%. In summary, the available evidence is currently insufficient to determine the role of this variant in disease. Therefore, it has been classified as a Variant of Uncertain Significance.